The following is an entry in ClinVar:

NM_000362.5(TIMP3):c.*538G>T

Genes: SYN3 (synapsin III; minus strand), TIMP3 (TIMP metallopeptidase inhibitor 3; plus strand). Cytogenetic location: 22q12.3.
Variant type: single nucleotide variant.
Coding change: c.*538G>T on transcript NM_000362.5 (MANE Select); 538 bases downstream of the stop codon, G replaced by T.
Molecular consequence: 3 prime UTR variant. On other transcripts: intron variant (7).
Genome position (GRCh38, 1-based): chr22:32,859,915, G>T. VCF-style: chr22-32859915-G-T. GRCh37 (hg19) VCF-style: chr22-33255902-G-T.
Other names: c.708+5000C>A (NM_001369909.1, NM_001135774.2, NM_001369910.1); c.711+5000C>A (NM_001369907.1, NM_003490.4, NM_001369908.1 and 1 more transcripts).
Identifiers: ClinVar variation 341354 (VCV000341354.6), dbSNP rs56131109, ClinGen allele CA10653408.

ClinVar aggregate classification (germline): Benign. Review status: criteria provided, multiple submitters, no conflicts (2 of 4 stars). 2 submissions from 2 submitters: Benign (2). Last evaluated 2018-01-13.

Conditions:
Sorsby fundus dystrophy (SFD). Also called: MACULAR DYSTROPHY, HEMORRHAGIC; Sorsby fundus dystrophy, Lavia type; FUNDUS DYSTROPHY, PSEUDOINFLAMMATORY, OF SORSBY. Identifiers: Orphanet 59181, MedGen C1850938, MONDO:0007640, OMIM 136900.

Allele frequency attached by ClinVar (database versions not stated): 1000 Genomes Project 0.00559; 1000 Genomes Project 30x 0.00593; TOPMed 0.01209; gnomAD exomes 0.01295; gnomAD 0.01329 and 0.01384.
gnomAD v4.1: 2,176 of 164,148 alleles (1.3%); highest among the groups gnomAD compares: Non-Finnish European, 2.1%; 22 homozygotes.

Submissions (2):

Illumina Laboratory Services, Illumina
Classification: Benign for Sorsby fundus dystrophy. Last evaluated: 2018-01-13. Review status: criteria provided, single submitter. Criteria: ICSL Variant Classification Criteria 13 December 2019. Collection method: clinical testing. Allele origin: germline.
Comment: This variant was observed in the ICSL laboratory as part of a predisposition screen in an ostensibly healthy population. It had not been previously curated by ICSL or reported in the Human Gene Mutation Database (HGMD: prior to June 1st, 2018), and was therefore a candidate for classification through an automated scoring system. Utilizing variant allele frequency, disease prevalence and penetrance estimates, and inheritance mode, an automated score was calculated to assess if this variant is too frequent to cause the disease. Based on the score and internal cut-off values, a variant classified as benign is not then subjected to further curation. The score for this variant resulted in a classification of benign for this disease.

Breakthrough Genomics
Classification: Benign. Review status: criteria provided, single submitter. Criteria: ACMG Guidelines, 2015. Collection method: not provided. Allele origin: germline. Inheritance: Autosomal dominant inheritance. Affected: yes.